The following is an entry in ClinVar:

NM_005334.3(HCFC1):c.2029-17C>T

Gene: HCFC1 (host cell factor C1; minus strand). Cytogenetic location: Xq28.
Variant type: single nucleotide variant.
Coding change: c.2029-17C>T on transcript NM_005334.3 (MANE Select); 17 bases into the intron before coding-DNA position 2029, C replaced by T.
Molecular consequence: intron variant.
Genome position (GRCh38, 1-based): chrX:153,957,903, G>A on the plus strand (C>T on the coding strand, the complement: HCFC1 is on the minus strand). VCF-style: chrX-153957903-G-A. GRCh37 (hg19) VCF-style: chrX-153223354-G-A.
Identifiers: ClinVar variation 682540 (VCV000682540.4), dbSNP rs1184396495, ClinGen allele CA658578119.

ClinVar aggregate classification (germline): Likely benign. Review status: criteria provided, multiple submitters, no conflicts (2 of 4 stars). 2 submissions from 2 submitters: Likely benign (2). Last evaluated 2025-12-28.

Conditions:
Methylmalonic acidemia with homocystinuria, type cblX (MAHCX). Also called: INTELLECTUAL DEVELOPMENTAL DISORDER, X-LINKED 3. Identifiers: Orphanet 369962, MedGen C0796208, MONDO:0010657, OMIM 309541.

Allele frequency attached by ClinVar (database versions not stated): TOPMed below 0.00001; gnomAD exomes below 0.00001; gnomAD 0.00001.
gnomAD v4.1: 3 of 1,169,673 alleles (0.00026%); highest among the groups gnomAD compares: Non-Finnish European, 0.00035%; no homozygotes.

Submissions (2):

Labcorp Genetics (formerly Invitae), Labcorp
Classification: Likely benign for Methylmalonic acidemia with homocystinuria, type cblX. Last evaluated: 2025-12-28. Review status: criteria provided, single submitter. Criteria: Invitae Variant Classification Sherloc (09022015). Collection method: clinical testing. Allele origin: germline.

GeneDx
Classification: Likely benign. Last evaluated: 2018-05-08. Review status: criteria provided, single submitter. Criteria: GeneDx Variant Classification (06012015). Collection method: clinical testing. Allele origin: germline. Affected: yes.
Comment: This variant is considered likely benign or benign based on one or more of the following criteria: it is a conservative change, it occurs at a poorly conserved position in the protein, it is predicted to be benign by multiple in silico algorithms, and/or has population frequency not consistent with disease.